The following is an entry in ClinVar:

ClinVar aggregate classification (germline): Benign (3 of 4 stars; one submission).

Conditions:
Breast-ovarian cancer, familial, susceptibility to, 2 (BROVCA2). Also called: BRCA2 Hereditary Breast and Ovarian Cancer. Identifiers: Orphanet 145, MedGen C2675520, MONDO:0012933, OMIM 612555. Disease mechanism: loss of function.

Allele frequency attached by ClinVar (database versions not stated): gnomAD 0.00123 and 0.00130; 1000 Genomes Project 30x 0.00125; 1000 Genomes Project 0.00140; TOPMed 0.00141.
gnomAD v4.1: 183 of 149,156 alleles (0.12%); highest among the groups gnomAD compares: African/African-American, 0.42%; 2 homozygotes.

Submission:

Evidence-based Network for the Interpretation of Germline Mutant Alleles (ENIGMA)
Classification: Benign for Breast-ovarian cancer, familial 2. Last evaluated: 2015-01-12. Review status: reviewed by expert panel. Criteria: ENIGMA BRCA1/2 Classification Criteria (2015). Collection method: curation. Allele origin: germline.
Comment: Class 1 not pathogenic based on frequency >1% in an outbred sampleset. Frequency 0.01423 (African), derived from 1000 genomes (2012-04-30).

NM_000059.4(BRCA2):c.9257-2144G>A

Gene: BRCA2 (BRCA2 DNA repair associated; plus strand). Cytogenetic location: 13q13.1.
Variant type: single nucleotide variant.
Coding change: c.9257-2144G>A on transcript NM_000059.4 (MANE Select); 2144 bases into the intron before coding-DNA position 9257, G replaced by A.
Molecular consequence: intron variant.
Genome position (GRCh38, 1-based): chr13:32,392,545, G>A. VCF-style: chr13-32392545-G-A. GRCh37 (hg19) VCF-style: chr13-32966682-G-A.
Other names: IVS 24-2144G>A.
Identifiers: ClinVar variation 209898 (VCV000209898.1), dbSNP rs141258585, ClinGen allele CA276866.